The following is an entry in ClinVar:

NM_018121.4(SLF2):c.2267A>G (p.Gln756Arg)

Gene: SLF2 (SMC5/6 complex localization factor 2; plus strand). Cytogenetic location: 10q24.31.
Variant type: single nucleotide variant.
Coding change: c.2267A>G on transcript NM_018121.4 (MANE Select); coding-DNA position 2267, A replaced by G.
Protein change: p.Gln756Arg; replaces glutamine 756 with arginine.
Molecular consequence: missense variant.
Genome position (GRCh38, 1-based): chr10:100,929,931, A>G. VCF-style: chr10-100929931-A-G. GRCh37 (hg19) VCF-style: chr10-102689688-A-G.
Other names: c.2267A>G, p.Gln756Arg (NM_001136123.2); short protein forms Q756R.
Identifiers: ClinVar variation 3445469 (VCV003445469.3).
Genomic context (GRCh38, chr10:100,929,931, plus strand): 5'-CTGATCATCATCCAGGTGAAGAAATATTTAATTTCCTCAATTCTGGAAAAATTTTCAATC[A>G]GTATACCTTGGATTTAAGAGACTCTGGTTTTATTGGACAAAGTGCTGTAGAAAAACTTAT-3'
Protein context (NP_060591.3, residues 746-766): NFLNSGKIFN[Gln756Arg]YTLDLRDSGF

ClinVar aggregate classification (germline): Uncertain significance. Review status: criteria provided, multiple submitters, no conflicts (2 of 4 stars). 2 submissions from 2 submitters: Uncertain significance (2). Last evaluated 2024-10-17.

Conditions:
Inborn genetic diseases. Identifiers: MedGen C0950123, MeSH D030342.

gnomAD v4.1: 22 of 1,595,154 alleles (0.0014%); highest among the groups gnomAD compares: Admixed American, 0.029%; no homozygotes.

Submissions (2):

Ambry Genetics
Classification: Uncertain significance for Inborn genetic diseases. Last evaluated: 2024-10-17. Review status: criteria provided, single submitter. Criteria: Ambry Variant Classification Scheme 2023. Collection method: clinical testing. Allele origin: germline.

Dasa
Classification: Uncertain significance. Last evaluated: 2024-08-14. Review status: criteria provided, single submitter. Criteria: DASA Assertion Criteria. Collection method: clinical testing. Allele origin: germline.
Comment: NM_018121.4(SLF2):c.2267A>G (p.Gln756Arg) is a missense variant that results in the substitution of glutamine with arginine. This variant is rare in population databases. Computational prediction algorithms are consistent with a benign effect. The currently available literature and clinical evidence are not sufficient to establish a definitive association between this variant and the reported condition. Therefore, this variant is classified as a variant of uncertain significance.